The following is an entry in ClinVar:

NM_032578.4(MYPN):c.1473G>A (p.Met491Ile)

Gene: MYPN (myopalladin; plus strand). Cytogenetic location: 10q21.3.
Variant type: single nucleotide variant.
Coding change: c.1473G>A on transcript NM_032578.4 (MANE Select); coding-DNA position 1473, G replaced by A.
Protein change: p.Met491Ile; replaces methionine 491 with isoleucine.
Molecular consequence: missense variant. On other transcripts: non-coding transcript variant (1).
Genome position (GRCh38, 1-based): chr10:68,161,742, G>A. VCF-style: chr10-68161742-G-A. GRCh37 (hg19) VCF-style: chr10-69921499-G-A.
Other names: c.1473G>A, p.Met491Ile (NM_001256267.2); c.591G>A, p.Met197Ile (NM_001256268.2); short protein forms M197I, M491I.
Identifiers: ClinVar variation 648960 (VCV000648960.8), dbSNP rs1437786609, ClinGen allele CA376836024.

ClinVar aggregate classification (germline): Uncertain significance (1 of 4 stars; one submission).

Conditions:
Dilated cardiomyopathy 1KK (CMD1KK). Identifiers: Orphanet 154, Orphanet 75249, MedGen C3714995, MONDO:0014100, OMIM 615248.

Submission:

Labcorp Genetics (formerly Invitae), Labcorp
Classification: Uncertain significance for Dilated cardiomyopathy 1KK. Last evaluated: 2018-07-31. Review status: criteria provided, single submitter. Criteria: Invitae Variant Classification Sherloc (09022015). Collection method: clinical testing. Allele origin: germline.
Comment: Algorithms developed to predict the effect of sequence changes on RNA splicing suggest that this variant may create or strengthen a splice site, but this prediction has not been confirmed by published transcriptional studies. In summary, the available evidence is currently insufficient to determine the role of this variant in disease. Therefore, it has been classified as a Variant of Uncertain Significance. This variant is not present in population databases (ExAC no frequency). Algorithms developed to predict the effect of missense changes on protein structure and function are either unavailable or do not agree on the potential impact of this missense change (SIFT: "Tolerated"; PolyPhen-2: "Possibly Damaging"; Align-GVGD: "Class C0"). This variant has not been reported in the literature in individuals with MYPN-related disease. This sequence change replaces methionine with isoleucine at codon 491 of the MYPN protein (p.Met491Ile). The methionine residue is moderately conserved and there is a small physicochemical difference between methionine and isoleucine.